The following is an entry in ClinVar:

NM_004393.6(DAG1):c.2314A>G (p.Met772Val)

Gene: DAG1 (dystroglycan 1; plus strand). Cytogenetic location: 3p21.31.
Variant type: single nucleotide variant.
Coding change: c.2314A>G on transcript NM_004393.6 (MANE Select); coding-DNA position 2314, A replaced by G.
Protein change: p.Met772Val; replaces methionine 772 with valine.
Molecular consequence: missense variant.
Genome position (GRCh38, 1-based): chr3:49,532,825, A>G. VCF-style: chr3-49532825-A-G. GRCh37 (hg19) VCF-style: chr3-49570258-A-G.
Other names: c.2314A>G, p.Met772Val (NM_001165928.4, NM_001177634.3, NM_001177635.3 and 9 more transcripts); short protein forms M772V.
Identifiers: ClinVar variation 962470 (VCV000962470.7), dbSNP rs1054272302, ClinGen allele CA74522676.

ClinVar aggregate classification (germline): Uncertain significance (1 of 4 stars; one submission).

Conditions:
Muscular dystrophy-dystroglycanopathy (congenital with brain and eye anomalies), type A9. Also called: WALKER-WARBURG SYNDROME OR MUSCLE-EYE BRAIN DISEASE, DAG1-RELATED; Muscular dystrophy-dystroglycanopathy (congenital with brain and eye anomalies), type a, 9. Identifiers: Orphanet 370997, Orphanet 899, MedGen C4225291, MONDO:0014683, OMIM 616538.
Autosomal recessive limb-girdle muscular dystrophy type 2P. Also called: MUSCULAR DYSTROPHY, LIMB-GIRDLE, TYPE 2P; MUSCULAR DYSTROPHY-DYSTROGLYCANOPATHY, LIMB-GIRDLE, DAG1-RELATED; Limb-Girdle Muscular Dystrophy Type 9C. Identifiers: Orphanet 280333, MedGen C4511963, MONDO:0013440, OMIM 613818.

Allele frequency attached by ClinVar (database versions not stated): gnomAD 0.00001.

Submission:

Labcorp Genetics (formerly Invitae), Labcorp
Classification: Uncertain significance for Autosomal recessive limb-girdle muscular dystrophy type 2P; Muscular dystrophy-dystroglycanopathy (congenital with brain and eye anomalies), type A9. Last evaluated: 2019-08-07. Review status: criteria provided, single submitter. Criteria: Invitae Variant Classification Sherloc (09022015). Collection method: clinical testing. Allele origin: germline.
Comment: This sequence change replaces methionine with valine at codon 772 of the DAG1 protein (p.Met772Val). The methionine residue is moderately conserved and there is a small physicochemical difference between methionine and valine. This variant is not present in population databases (ExAC no frequency). This variant has not been reported in the literature in individuals with DAG1-related conditions. Algorithms developed to predict the effect of missense changes on protein structure and function are either unavailable or do not agree on the potential impact of this missense change (SIFT: "Tolerated"; PolyPhen-2: "Probably Damaging"; Align-GVGD: "Class C0"). In summary, the available evidence is currently insufficient to determine the role of this variant in disease. Therefore, it has been classified as a Variant of Uncertain Significance.